The following is an entry in ClinVar:

ClinVar aggregate classification (germline): Uncertain significance. Review status: criteria provided, multiple submitters, no conflicts (2 of 4 stars). 3 submissions from 3 submitters: Uncertain significance (3). Last evaluated 2025-08-04.

Conditions:
Developmental delay, hypotonia, musculoskeletal defects, and behavioral abnormalities. Identifiers: MedGen C5562012, MONDO:0859202, OMIM 619595.
Floating-Harbor syndrome (FLHS). Also called: SRCAP-Related Floating-Harbor Syndrome; Short stature with delayed bone age, expressive language delay, a triangular face with a prominent nose and deep-set eyes; Pelletier-Leisti syndrome. Identifiers: Orphanet 2044, MedGen C0729582, MONDO:0007621, OMIM 136140.
Inborn genetic diseases. Identifiers: MedGen C0950123, MeSH D030342.

gnomAD v4.1: 5 of 1,614,002 alleles (0.00031%); highest among the groups gnomAD compares: Non-Finnish European, 0.00042%; no homozygotes.

Submissions (3):

Ambry Genetics
Classification: Uncertain significance for Inborn genetic diseases. Last evaluated: 2025-08-04. Review status: criteria provided, single submitter. Criteria: Ambry Variant Classification Scheme 2023. Collection method: clinical testing. Allele origin: germline.

Labcorp Genetics (formerly Invitae), Labcorp
Classification: Uncertain significance. Last evaluated: 2025-05-07. Review status: criteria provided, single submitter. Criteria: Invitae Variant Classification Sherloc (09022015). Collection method: clinical testing. Allele origin: germline.
Comment: This sequence change replaces leucine, which is neutral and non-polar, with valine, which is neutral and non-polar, at codon 2116 of the SRCAP protein (p.Leu2116Val). This variant is present in population databases (no rsID available, gnomAD 0.002%). This variant has not been reported in the literature in individuals affected with SRCAP-related conditions. ClinVar contains an entry for this variant (Variation ID: 3580186). Invitae Evidence Modeling of protein sequence and biophysical properties (such as structural, functional, and spatial information, amino acid conservation, physicochemical variation, residue mobility, and thermodynamic stability) has been performed for this missense variant. However, the output from this modeling did not meet the statistical confidence thresholds required to predict the impact of this variant on SRCAP protein function. In summary, the available evidence is currently insufficient to determine the role of this variant in disease. Therefore, it has been classified as a Variant of Uncertain Significance.

Fulgent Genetics
Classification: Uncertain significance for Floating-Harbor syndrome; Developmental delay, hypotonia, musculoskeletal defects, and behavioral abnormalities. Last evaluated: 2024-04-29. Review status: criteria provided, single submitter. Criteria: ACMG Guidelines, 2015. Collection method: clinical testing. Allele origin: germline.

NM_006662.3(SRCAP):c.6346C>G (p.Leu2116Val)

Gene: SRCAP (Snf2 related CREBBP activator protein; plus strand). Cytogenetic location: 16p11.2.
Variant type: single nucleotide variant.
Coding change: c.6346C>G on transcript NM_006662.3 (MANE Select); coding-DNA position 6346, C replaced by G.
Protein change: p.Leu2116Val; replaces leucine 2116 with valine.
Molecular consequence: missense variant.
Genome position (GRCh38, 1-based): chr16:30,733,650, C>G. VCF-style: chr16-30733650-C-G. GRCh37 (hg19) VCF-style: chr16-30744971-C-G.
Other names: c.6346C>G (NM_006662.2); short protein forms L2116V.
Identifiers: ClinVar variation 3580186 (VCV003580186.4).